The following is an entry in ClinVar:

NM_000222.3(KIT):c.2644A>T (p.Met882Leu)

Gene: KIT (KIT proto-oncogene, receptor tyrosine kinase; plus strand). Cytogenetic location: 4q12.
Variant type: single nucleotide variant.
Coding change: c.2644A>T on transcript NM_000222.3 (MANE Select); coding-DNA position 2644, A replaced by T.
Protein change: p.Met882Leu; replaces methionine 882 with leucine.
Molecular consequence: missense variant.
Genome position (GRCh38, 1-based): chr4:54,736,768, A>T. VCF-style: chr4-54736768-A-T. GRCh37 (hg19) VCF-style: chr4-55602934-A-T.
Other names: c.2632A>T, p.Met878Leu (NM_001093772.2, NM_001385292.1); c.2647A>T, p.Met883Leu (NM_001385284.1); c.2641A>T, p.Met881Leu (NM_001385285.1); c.2629A>T, p.Met877Leu (NM_001385286.1); c.2635A>T, p.Met879Leu (NM_001385288.1); c.2644A>T, p.Met882Leu (NM_001385290.1); short protein forms M882L, M878L, M877L, M879L, M881L, M883L.
Identifiers: ClinVar variation 571533 (VCV000571533.14), dbSNP rs1560424920, ClinGen allele CA356913869.
Genomic context (GRCh38, chr4:54,736,768, plus strand): 5'-AACTGTGTCTCAGGAAGCAGCCCCTATCCTGGAATGCCGGTCGATTCTAAGTTCTACAAG[A>T]TGATCAAGGAAGGCTTCCGGATGCTCAGCCCTGAACACGCACCTGCTGAAATGTAAGAGC-3'
Protein context (NP_000213.1, residues 872-892): GMPVDSKFYK[Met882Leu]IKEGFRMLSP

ClinVar aggregate classification (germline): Uncertain significance. Review status: criteria provided, multiple submitters, no conflicts (2 of 4 stars). 2 submissions from 2 submitters: Uncertain significance (2). Last evaluated 2025-11-03.

Conditions:
Hereditary cancer-predisposing syndrome. Also called: Hereditary neoplastic syndrome; Neoplastic Syndromes, Hereditary; Hereditary Cancer Syndrome; Tumor predisposition. Identifiers: Orphanet 140162, MedGen C0027672, MeSH D009386, MONDO:0015356.
Gastrointestinal stromal tumor. Also called: Gastrointestinal stromal tumor, somatic; Gastrointestinal stroma tumor. Identifiers: Orphanet 44890, MedGen C0238198, MeSH D046152, MONDO:0011719, OMIM 606764, HP:0100723.

Submissions (2):

Labcorp Genetics (formerly Invitae), Labcorp
Classification: Uncertain significance for Gastrointestinal stromal tumor. Last evaluated: 2025-11-03. Review status: criteria provided, single submitter. Criteria: Invitae Variant Classification Sherloc (09022015). Collection method: clinical testing. Allele origin: germline.
Comment: This sequence change replaces methionine, which is neutral and non-polar, with leucine, which is neutral and non-polar, at codon 882 of the KIT protein (p.Met882Leu). This variant is not present in population databases (gnomAD no frequency). This variant has not been reported in the literature in individuals affected with KIT-related conditions. ClinVar contains an entry for this variant (Variation ID: 571533). An algorithm developed to predict the effect of missense changes on protein structure and function (PolyPhen-2) suggests that this variant is likely to be disruptive. In summary, the available evidence is currently insufficient to determine the role of this variant in disease. Therefore, it has been classified as a Variant of Uncertain Significance.

Ambry Genetics
Classification: Uncertain significance for Hereditary cancer-predisposing syndrome. Last evaluated: 2025-06-30. Review status: criteria provided, single submitter. Criteria: Ambry Variant Classification Scheme 2023. Collection method: clinical testing. Allele origin: germline.
Comment: The p.M882L variant (also known as c.2644A>T), located in coding exon 19 of the KIT gene, results from an A to T substitution at nucleotide position 2644. The methionine at codon 882 is replaced by leucine, an amino acid with highly similar properties. This amino acid position is conserved. In addition, this alteration is predicted to be tolerated by in silico analysis. Since supporting evidence is limited at this time, the clinical significance of this alteration remains unclear.